The following is an entry in ClinVar:

ClinVar aggregate classification (germline): Uncertain significance (1 of 4 stars; one submission).

Allele frequency attached by ClinVar (database versions not stated): ExAC 0.00001; gnomAD exomes 0.00001 and 0.00003; TOPMed 0.00001.
gnomAD v4.1: 24 of 1,614,066 alleles (0.0015%); highest among the groups gnomAD compares: Admixed American, 0.015%; no homozygotes.

Submission:

Labcorp Genetics (formerly Invitae), Labcorp
Classification: Uncertain significance. Last evaluated: 2021-10-11. Review status: criteria provided, single submitter. Criteria: Invitae Variant Classification Sherloc (09022015). Collection method: clinical testing. Allele origin: germline.
Comment: This sequence change replaces isoleucine with valine at codon 698 of the MCM4 protein (p.Ile698Val). The isoleucine residue is moderately conserved and there is a small physicochemical difference between isoleucine and valine. This variant is present in population databases (rs760728486, ExAC 0.009%). This variant has not been reported in the literature in individuals affected with MCM4-related conditions. Algorithms developed to predict the effect of missense changes on protein structure and function output the following: SIFT: "Tolerated"; PolyPhen-2: "Benign"; Align-GVGD: "Class C0". The valine amino acid residue is found in multiple mammalian species, which suggests that this missense change does not adversely affect protein function. In summary, the available evidence is currently insufficient to determine the role of this variant in disease. Therefore, it has been classified as a Variant of Uncertain Significance.

NM_182746.3(MCM4):c.2092A>G (p.Ile698Val)

Gene: MCM4 (minichromosome maintenance complex component 4; plus strand). Cytogenetic location: 8q11.21.
Variant type: single nucleotide variant.
Coding change: c.2092A>G on transcript NM_182746.3 (MANE Select); coding-DNA position 2092, A replaced by G.
Protein change: p.Ile698Val; replaces isoleucine 698 with valine.
Molecular consequence: missense variant.
Genome position (GRCh38, 1-based): chr8:47,973,020, A>G. VCF-style: chr8-47973020-A-G. GRCh37 (hg19) VCF-style: chr8-48885580-A-G.
Other names: c.2092A>G, p.Ile698Val (NM_005914.4); short protein forms I698V.
Identifiers: ClinVar variation 1497543 (VCV001497543.3), dbSNP rs760728486, ClinGen allele CA4742798.